The following is an entry in ClinVar:

NM_000384.3(APOB):c.10745A>G (p.Glu3582Gly)

Gene: APOB (apolipoprotein B; minus strand). Cytogenetic location: 2p24.1.
Variant type: single nucleotide variant.
Coding change: c.10745A>G on transcript NM_000384.3 (MANE Select); coding-DNA position 10745, A replaced by G.
Protein change: p.Glu3582Gly; replaces glutamic acid 3582 with glycine.
Molecular consequence: missense variant.
Genome position (GRCh38, 1-based): chr2:21,006,123, T>C on the plus strand (A>G on the coding strand, the complement: APOB is on the minus strand). VCF-style: chr2-21006123-T-C. GRCh37 (hg19) VCF-style: chr2-21228995-T-C.
Other names: short protein forms E3582G.
Identifiers: ClinVar variation 4794198 (VCV004794198.1).

ClinVar aggregate classification (germline): Uncertain significance (1 of 4 stars; one submission).

Conditions:
Familial hypobetalipoproteinemia 1. Also called: Hypobetalipoproteinemia, normotriglyceridemic; Acanthocytosis with hypobetalipoproteinemia; APOB-Related Familial Hypobetalipoproteinemia. Identifiers: MedGen C4551990, MONDO:0014252, OMIM 615558.
Hypercholesterolemia, autosomal dominant, type B (FHCL2). Also called: Familial Hypercholesterolemia Type B; APOLIPOPROTEIN B-100, FAMILIAL DEFECTIVE; APOLIPOPROTEIN B-100, FAMILIAL LIGAND-DEFECTIVE; HYPERCHOLESTEROLEMIA, FAMILIAL, DUE TO LIGAND-DEFECTIVE APOLIPOPROTEIN B; APOB-Related Familial Hypercholesterolemia, Autosomal Dominant; Hyperlipoproteinemia Type IIb. Identifiers: MedGen C1704417, MONDO:0007751, OMIM 144010.

Submission:

Labcorp Genetics (formerly Invitae), Labcorp
Classification: Uncertain significance for Familial hypobetalipoproteinemia 1; Hypercholesterolemia, autosomal dominant, type B. Last evaluated: 2025-12-24. Review status: criteria provided, single submitter. Criteria: Invitae Variant Classification Sherloc (09022015). Collection method: clinical testing. Allele origin: germline.
Comment: This sequence change replaces glutamic acid, which is acidic and polar, with glycine, which is neutral and non-polar, at codon 3582 of the APOB protein (p.Glu3582Gly). This variant is not present in population databases (gnomAD no frequency). This variant has not been reported in the literature in individuals affected with APOB-related conditions. Invitae Evidence Modeling of protein sequence and biophysical properties (such as structural, functional, and spatial information, amino acid conservation, physicochemical variation, residue mobility, and thermodynamic stability) indicates that this missense variant is not expected to disrupt APOB protein function with a negative predictive value of 95%. In summary, the available evidence is currently insufficient to determine the role of this variant in disease. Therefore, it has been classified as a Variant of Uncertain Significance.